The following is an entry in ClinVar:

NM_020117.11(LARS1):c.1154-5C>A

Gene: LARS1 (leucyl-tRNA synthetase 1; minus strand). Cytogenetic location: 5q32.
Variant type: single nucleotide variant.
Coding change: c.1154-5C>A on transcript NM_020117.11 (MANE Select); 5 bases into the intron before coding-DNA position 1154, C replaced by A.
Molecular consequence: intron variant.
Genome position (GRCh38, 1-based): chr5:146,153,815, G>T on the plus strand (C>A on the coding strand, the complement: LARS1 is on the minus strand). VCF-style: chr5-146153815-G-T. GRCh37 (hg19) VCF-style: chr5-145533378-G-T.
Other names: c.992-5C>A (NM_001317965.2); c.1073-5C>A (NM_016460.4); c.1016-5C>A (NM_001317964.2); c.1154-5C>A (NM_020117.9).
Identifiers: ClinVar variation 769663 (VCV000769663.4), dbSNP rs577902897, ClinGen allele CA3489717.

ClinVar aggregate classification (germline): Conflicting classifications of pathogenicity. Review status: criteria provided, conflicting classifications (1 of 4 stars). 2 submissions from 2 submitters: Uncertain significance (1); Likely benign (1). Last evaluated 2022-10-28.

gnomAD v4.1: 37 of 1,613,534 alleles (0.0023%); highest among the groups gnomAD compares: Admixed American, 0.06%; no homozygotes.

Submissions (2):

Ambry Genetics
Classification: Uncertain significance. Last evaluated: 2022-10-28. Review status: criteria provided, single submitter. Criteria: Ambry Variant Classification Scheme 2023. Collection method: clinical testing. Allele origin: germline.
Comment: The c.1154-5C>A intronic alteration consists of a C to A substitution 5 nucleotides before coding exon 12 in the LARS gene. Based on insufficient or conflicting evidence, the clinical significance of this alteration remains unclear.

Labcorp Genetics (formerly Invitae), Labcorp
Classification: Likely benign. Last evaluated: 2018-06-18. Review status: criteria provided, single submitter. Criteria: Invitae Variant Classification Sherloc (09022015). Collection method: clinical testing. Allele origin: germline.